The following is an entry in ClinVar:

NM_006593.4(TBR1):c.19del (p.Leu7fs)

Gene: TBR1 (T-box brain transcription factor 1; plus strand). Cytogenetic location: 2q24.2.
Variant type: Deletion.
Coding change: c.19del on transcript NM_006593.4 (MANE Select); coding-DNA position 19, one base deleted (C; older notation c.19delC).
Protein change: p.Leu7fs; shifts the reading frame from leucine 7.
Molecular consequence: frameshift variant.
Genome position (GRCh38, 1-based): chr2:161,416,429, C deleted; the last of 2 consecutive C bases (chr2:161,416,428-161,416,429); deleting either gives the same sequence. VCF-style (leftmost placement, unchanged base first): chr2-161416427-GC-G. GRCh37 (hg19) VCF-style: chr2-162272938-GC-G.
Other names: short protein forms L7fs.
Identifiers: ClinVar variation 2498835 (VCV002498835.28), dbSNP rs2468089980, ClinGen allele CA2580064140.

ClinVar aggregate classification (germline): Likely pathogenic (1 of 4 stars; one submission).

Submission:

CeGaT Center for Human Genetics Tuebingen
Classification: Likely pathogenic. Last evaluated: 2023-09-01. Review status: criteria provided, single submitter. Criteria: CeGaT Center For Human Genetics Tuebingen Variant Classification Criteria Version 2. Collection method: clinical testing. Allele origin: germline. Affected: yes. Observed: 2 variant alleles.
Comment: TBR1: PVS1:Strong, PM2